The following is an entry in ClinVar:

NM_000292.3(PHKA2):c.2503G>A (p.Glu835Lys)

Gene: PHKA2 (phosphorylase kinase regulatory subunit alpha 2; minus strand). Cytogenetic location: Xp22.13.
Variant type: single nucleotide variant.
Coding change: c.2503G>A on transcript NM_000292.3 (MANE Select); coding-DNA position 2503, G replaced by A.
Protein change: p.Glu835Lys; replaces glutamic acid 835 with lysine.
Molecular consequence: missense variant.
Genome position (GRCh38, 1-based): chrX:18,907,914, C>T on the plus strand (G>A on the coding strand, the complement: PHKA2 is on the minus strand). VCF-style: chrX-18907914-C-T. GRCh37 (hg19) VCF-style: chrX-18926032-C-T.
Other names: short protein forms E835K.
Identifiers: ClinVar variation 1026906 (VCV001026906.8), dbSNP rs1234436850, ClinGen allele CA412383218.
Genomic context (GRCh38, chrX:18,907,914, plus strand): 5'-CACGAGCTAGTGAGCACACATGGGCAGCCTGCACAGTCGCACTGACCTCAGCCAGGACCT[C>T]CACTTTCTTCCTGAGAAGGCCTGAGATGTAGCGAATCAGACCCCACTCCTGGTTCAAGCC-3'
Protein context (NP_000283.1, residues 825-845): YISGLLRKKV[Glu835Lys]VLAEACTDLL

ClinVar aggregate classification (germline): Uncertain significance (1 of 4 stars; one submission).

Conditions:
Glycogen storage disease IXa1. Also called: LIVER GLYCOGENOSIS, X-LINKED, TYPE I; GLYCOGEN STORAGE DISEASE VIII; GSD VIII; Glycogen storage disease 8. Identifiers: Orphanet 264580, MedGen C3694531, MONDO:0010598, OMIM 306000.

Allele frequency attached by ClinVar (database versions not stated): gnomAD exomes 0.00001.
gnomAD v4.1: 9 of 1,211,380 alleles (0.00074%); highest among the groups gnomAD compares: Non-Finnish European, 0.001%; no homozygotes.

Submission:

Labcorp Genetics (formerly Invitae), Labcorp
Classification: Uncertain significance for Glycogen storage disease IXa1. Last evaluated: 2020-06-30. Review status: criteria provided, single submitter. Criteria: Invitae Variant Classification Sherloc (09022015). Collection method: clinical testing. Allele origin: germline.
Comment: In summary, the available evidence is currently insufficient to determine the role of this variant in disease. Therefore, it has been classified as a Variant of Uncertain Significance. Algorithms developed to predict the effect of missense changes on protein structure and function are either unavailable or do not agree on the potential impact of this missense change (SIFT: "Deleterious"; PolyPhen-2: "Probably Damaging"; Align-GVGD: "Class C0"). This variant has not been reported in the literature in individuals with PHKA2-related conditions. This variant is not present in population databases (ExAC no frequency). This sequence change replaces glutamic acid with lysine at codon 835 of the PHKA2 protein (p.Glu835Lys). The glutamic acid residue is highly conserved and there is a small physicochemical difference between glutamic acid and lysine.